The following is an entry in ClinVar:

ClinVar aggregate classification (germline): Uncertain significance. Review status: reviewed by expert panel (3 of 4 stars). 4 submissions from 4 submitters: Uncertain significance (1). 3 of the submissions do not count toward it. Last evaluated 2024-07-17.

Conditions:
Inborn genetic diseases. Identifiers: MedGen C0950123, MeSH D030342.
Hereditary thrombocytopenia and hematological cancer predisposition syndrome associated with RUNX1. Also called: Familial thrombocytopenia with propensity to acute myelogenous leukemia; RUNX1 Familial Platelet Disorder with Associated Myeloid Malignancies; Familial Platelet Disorder with Propensity to Acute Myelogenous Leukemia; PLATELET DISORDER, ASPIRIN-LIKE. Identifiers: Orphanet 71290, MedGen C1832388, MeSH C563324, MONDO:0100083, OMIM 601399.

Allele frequency attached by ClinVar (database versions not stated): ExAC 0.00002; ESP Exome Variant Server 0.00008; gnomAD 0.00001; TOPMed 0.00001.
gnomAD v4.1: 1 of 1,601,994 alleles (0.000062%); highest among the groups gnomAD compares: Non-Finnish European, 0.000085%; no homozygotes.

Submissions (4):

ClinGen Myeloid Malignancy Variant Curation Expert Panel
Classification: Uncertain significance for Hereditary thrombocytopenia and hematological cancer predisposition syndrome associated with RUNX1. Last evaluated: 2024-07-17. Review status: reviewed by expert panel. Criteria: ClinGen MyeloMalig ACMG Specifications v2. Collection method: curation. Allele origin: germline. Inheritance: Autosomal dominant inheritance.
Comment: NM_001754.5(RUNX1):c.1069C>T (p.Pro357Ser) is a missense variant which has a REVEL score < 0.50 (0.27), and a SpliceAI score ≤ 0.20 (0.0) (BP4). In summary, the clinical significance of this variant is uncertain. ACMG/AMP criteria applied, as specified by the Myeloid Malignancy Variant Curation Expert Panel for RUNX1: BP4.

Ambry Genetics
Classification: Uncertain significance for Inborn genetic diseases. Last evaluated: 2026-08-03. Review status: criteria provided, single submitter. Criteria: Ambry Variant Classification Scheme 2023. Collection method: clinical testing. Allele origin: germline. Not counted in ClinVar's aggregate classification.

Labcorp Genetics (formerly Invitae), Labcorp
Classification: Uncertain significance for Hereditary thrombocytopenia and hematological cancer predisposition syndrome associated with RUNX1. Last evaluated: 2025-10-23. Review status: criteria provided, single submitter. Criteria: Invitae Variant Classification Sherloc (09022015). Collection method: clinical testing. Allele origin: germline. Not counted in ClinVar's aggregate classification.
Comment: This sequence change replaces proline, which is neutral and non-polar, with serine, which is neutral and polar, at codon 357 of the RUNX1 protein (p.Pro357Ser). This variant is present in population databases (rs375989348, gnomAD 0.007%). This variant has not been reported in the literature in individuals affected with RUNX1-related conditions. ClinVar contains an entry for this variant (Variation ID: 532667). Invitae Evidence Modeling of protein sequence and biophysical properties (such as structural, functional, and spatial information, amino acid conservation, physicochemical variation, residue mobility, and thermodynamic stability) has been performed for this missense variant. However, the output from this modeling did not meet the statistical confidence thresholds required to predict the impact of this variant on RUNX1 protein function. In summary, the available evidence is currently insufficient to determine the role of this variant in disease. Therefore, it has been classified as a Variant of Uncertain Significance.

GeneDx
Classification: Uncertain significance. Last evaluated: 2023-04-27. Review status: criteria provided, single submitter. Criteria: GeneDx Variant Classification Process June 2021. Collection method: clinical testing. Allele origin: germline. Affected: yes. Not counted in ClinVar's aggregate classification.
Comment: Not observed at significant frequency in large population cohorts (gnomAD); In silico analysis supports that this missense variant has a deleterious effect on protein structure/function; Has not been previously published as pathogenic or benign to our knowledge

NM_001754.5(RUNX1):c.1069C>T (p.Pro357Ser)

Gene: RUNX1 (RUNX family transcription factor 1; minus strand). Cytogenetic location: 21q22.12.
Variant type: single nucleotide variant.
Coding change: c.1069C>T on transcript NM_001754.5 (MANE Select); coding-DNA position 1069, C replaced by T.
Protein change: p.Pro357Ser; replaces proline 357 with serine.
Molecular consequence: missense variant.
Genome position (GRCh38, 1-based): chr21:34,792,509, G>A on the plus strand (C>T on the coding strand, the complement: RUNX1 is on the minus strand). VCF-style: chr21-34792509-G-A. GRCh37 (hg19) VCF-style: chr21-36164806-G-A.
Other names: NM_001754.5(RUNX1):c.1069C>T; p.Pro357Ser; c.988C>T, p.Pro330Ser (NM_001001890.3); short protein forms P357S, P330S.
Identifiers: ClinVar variation 532667 (VCV000532667.12), dbSNP rs375989348, ClinGen allele CA10014212.